The following is an entry in ClinVar:

NM_000252.3(MTM1):c.380G>A (p.Gly127Asp)

Gene: MTM1 (myotubularin 1; plus strand). Cytogenetic location: Xq28.
Variant type: single nucleotide variant.
Coding change: c.380G>A on transcript NM_000252.3 (MANE Select); coding-DNA position 380, G replaced by A.
Protein change: p.Gly127Asp; replaces glycine 127 with aspartic acid.
Molecular consequence: missense variant.
Genome position (GRCh38, 1-based): chrX:150,619,075, G>A. VCF-style: chrX-150619075-G-A. GRCh37 (hg19) VCF-style: chrX-149787548-G-A.
Other names: c.380G>A, p.Gly127Asp (NM_001376906.1, NM_001376908.1); c.269G>A, p.Gly90Asp (NM_001376907.1); short protein forms G127D, G90D.
Identifiers: ClinVar variation 4807726 (VCV004807726.1).
Genomic context (GRCh38, chrX:150,619,075, plus strand): 5'-TCATACTTCTCCTTTGCCCCCAGGACATGAGAAACCTGAGGTTCGCTTTGAAACAGGAAG[G>A]CCACAGCAGAAGAGATATGTTTGAGATCCTCACGAGATACGCGTTTCCCCTGGCTCACAG-3'
Protein context (NP_000243.1, residues 117-137): RNLRFALKQE[Gly127Asp]HSRRDMFEIL

ClinVar aggregate classification (germline): Uncertain significance (1 of 4 stars; one submission).

Conditions:
Severe X-linked myotubular myopathy (CNMX). Also called: X-linked centronuclear myopathy; MYOTUBULAR MYOPATHY 1; Myotubular myopathy, X-linked. Identifiers: Orphanet 596, MedGen C0410203, MONDO:0010683, OMIM 310400.

Submission:

Labcorp Genetics (formerly Invitae), Labcorp
Classification: Uncertain significance for Severe X-linked myotubular myopathy. Last evaluated: 2025-07-04. Review status: criteria provided, single submitter. Criteria: Invitae Variant Classification Sherloc (09022015). Collection method: clinical testing. Allele origin: germline.
Comment: This sequence change replaces glycine, which is neutral and non-polar, with aspartic acid, which is acidic and polar, at codon 127 of the MTM1 protein (p.Gly127Asp). This variant is not present in population databases (gnomAD no frequency). This variant has not been reported in the literature in individuals affected with MTM1-related conditions. Invitae Evidence Modeling of protein sequence and biophysical properties (such as structural, functional, and spatial information, amino acid conservation, physicochemical variation, residue mobility, and thermodynamic stability) indicates that this missense variant is not expected to disrupt MTM1 protein function with a negative predictive value of 80%. In summary, the available evidence is currently insufficient to determine the role of this variant in disease. Therefore, it has been classified as a Variant of Uncertain Significance.